The following is an entry in ClinVar:

ClinVar aggregate classification (germline): Likely benign. Review status: criteria provided, multiple submitters, no conflicts (2 of 4 stars). 3 submissions from 3 submitters: Likely benign (2). 1 of the submissions does not count toward it. Last evaluated 2026-02-04.

Conditions:
TULP1-related disorder. Also called: TULP1-related disorders; TULP1-related condition.

Allele frequency attached by ClinVar (database versions not stated): gnomAD exomes 0.00005 and 0.00018; ExAC 0.00013; gnomAD 0.00016 and 0.00017; 1000 Genomes Project 0.00020; TOPMed 0.00021; 1000 Genomes Project 30x 0.00031.
gnomAD v4.1: 102 of 1,613,764 alleles (0.0063%); highest among the groups gnomAD compares: Admixed American, 0.078%; no homozygotes.

Submissions (3):

Labcorp Genetics (formerly Invitae), Labcorp
Classification: Likely benign. Last evaluated: 2026-02-04. Review status: criteria provided, single submitter. Criteria: Invitae Variant Classification Sherloc (09022015). Collection method: clinical testing. Allele origin: germline.

Blueprint Genetics
Classification: Likely benign. Last evaluated: 2024-04-19. Review status: criteria provided, single submitter. Criteria: ACMG Guidelines, 2015. Collection method: clinical testing. Allele origin: germline.

PreventionGenetics, part of Exact Sciences
Classification: Likely benign for TULP1-related condition. Last evaluated: 2024-02-02. Review status: no assertion criteria provided. Collection method: clinical testing. Allele origin: germline. Not counted in ClinVar's aggregate classification.
Comment: This variant is classified as likely benign based on ACMG/AMP sequence variant interpretation guidelines (Richards et al. 2015 PMID: 25741868, with internal and published modifications).

NM_003322.6(TULP1):c.456C>T (p.Ser152=)

Gene: TULP1 (TUB like protein 1; minus strand). Cytogenetic location: 6p21.31.
Variant type: single nucleotide variant.
Coding change: c.456C>T on transcript NM_003322.6 (MANE Select); coding-DNA position 456, C replaced by T.
Protein change: p.Ser152=; no amino-acid change (serine 152 retained).
Molecular consequence: synonymous variant.
Genome position (GRCh38, 1-based): chr6:35,510,904, G>A on the plus strand (C>T on the coding strand, the complement: TULP1 is on the minus strand). VCF-style: chr6-35510904-G-A. GRCh37 (hg19) VCF-style: chr6-35478681-G-A.
Other names: c.456C>T (NM_003322.5); c.297C>T, p.Ser99= (NM_001289395.2).
Identifiers: ClinVar variation 766898 (VCV000766898.14), dbSNP rs202136220, ClinGen allele CA3772918.